The following is an entry in ClinVar:

ClinVar aggregate classification (germline): Conflicting classifications of pathogenicity. Review status: criteria provided, conflicting classifications (1 of 4 stars). 2 submissions from 1 submitter: Uncertain significance (1); Benign (1). Last evaluated 2018-01-12.

Conditions:
3-Methylglutaconic aciduria type 3 (MGCA3). Also called: OPA3, AUTOSOMAL RECESSIVE; OPTIC ATROPHY 3, AUTOSOMAL RECESSIVE; Costeff Syndrome; OPA3-Related 3-Methylglutaconic Aciduria. Identifiers: Orphanet 67047, MedGen C0574084, MONDO:0009787, OMIM 258501.
Optic atrophy 3 (OPA3). Also called: OPTIC ATROPHY 3, AUTOSOMAL DOMINANT; Optic atrophy, cataract, and neurologic disorder; Optic atrophy 3 with cataract. Identifiers: Orphanet 67036, MedGen C1833809, MONDO:0008133, OMIM 165300.

Allele frequency attached by ClinVar (database versions not stated): 1000 Genomes Project 30x 0.00078; 1000 Genomes Project 0.00100; gnomAD 0.00163 and 0.00184; TOPMed 0.00173; gnomAD exomes 0.00364.
gnomAD v4.1: 3,751 of 1,122,378 alleles (0.33%); highest among the groups gnomAD compares: Non-Finnish European, 0.39%; 9 homozygotes.

Submissions (2):

Illumina Laboratory Services, Illumina
Classification: Benign for Optic atrophy 3. Last evaluated: 2018-01-12. Review status: criteria provided, single submitter. Criteria: ICSL Variant Classification Criteria 13 December 2019. Collection method: clinical testing. Allele origin: germline.
Comment: This variant was observed in the ICSL laboratory as part of a predisposition screen in an ostensibly healthy population. It had not been previously curated by ICSL or reported in the Human Gene Mutation Database (HGMD: prior to June 1st, 2018), and was therefore a candidate for classification through an automated scoring system. Utilizing variant allele frequency, disease prevalence and penetrance estimates, and inheritance mode, an automated score was calculated to assess if this variant is too frequent to cause the disease. Based on the score and internal cut-off values, a variant classified as benign is not then subjected to further curation. The score for this variant resulted in a classification of benign for this disease.

Illumina Laboratory Services, Illumina
Classification: Uncertain significance for 3-Methylglutaconic aciduria type 3. Last evaluated: 2018-01-12. Review status: criteria provided, single submitter. Criteria: ICSL Variant Classification Criteria 13 December 2019. Collection method: clinical testing. Allele origin: germline.

NM_025136.4(OPA3):c.*422C>T

Genes: OPA3-RTN2 (OPA3-RTN2 readthrough; minus strand), OPA3 (outer mitochondrial membrane lipid metabolism regulator OPA3; minus strand). Cytogenetic location: 19q13.32.
Variant type: single nucleotide variant.
Coding change: c.*422C>T on transcript NM_025136.4 (MANE Select); 422 bases downstream of the stop codon, C replaced by T.
Molecular consequence: 3 prime UTR variant. On other transcripts: intron variant (1).
Genome position (GRCh38, 1-based): chr19:45,553,092, G>A on the plus strand (C>T on the coding strand, the complement: OPA3 is on the minus strand). VCF-style: chr19-45553092-G-A. GRCh37 (hg19) VCF-style: chr19-46056350-G-A.
Other names: c.143-23636C>T (NM_001017989.3).
Identifiers: ClinVar variation 329674 (VCV000329674.5), dbSNP rs116977551, ClinGen allele CA10652148.
Genomic context (GRCh38, chr19:45,553,092, plus strand): 5'-AAGGTGAGGGGGAGAAAAGGCCACTGCAACACACTGCATTTCCTTACAGTGGTCTGTGCC[G>A]ATTGACAAAAAGAAGAAGGTGTTCCAGTGTAACAGATGAGTGTCCCAGTAAAGGTTAACA-3'